The following is an entry in ClinVar:

NM_001205293.3(CACNA1E):c.3553-9_3553-8del

Gene: CACNA1E (calcium voltage-gated channel subunit alpha1 E; plus strand). Cytogenetic location: 1q25.3.
Variant type: Microsatellite.
Coding change: c.3553-9_3553-8del on transcript NM_001205293.3 (MANE Select); 9 bases into the intron before coding-DNA position 3553 through 8 bases into the intron before coding-DNA position 3553, 2 bases deleted (GT; older notation c.3553-9_3553-8delGT).
Molecular consequence: intron variant.
Genome position (GRCh38, 1-based): chr1:181,738,358-181,738,359, GT deleted; deleting any 2 consecutive bases within chr1:181,738,355-181,738,359 gives the same sequence; the c. name uses the placement nearest the transcript's 3' end. VCF-style (leftmost placement, unchanged base first): chr1-181738354-ATG-A. GRCh37 (hg19) VCF-style: chr1-181707490-ATG-A.
Other names: c.3553-9_3553-8del (NM_000721.4); c.3496-9_3496-8del (NM_001205294.2).
Identifiers: ClinVar variation 4886301 (VCV004886301.2).
Genomic context (GRCh38, chr1:181,738,354, plus strand): 5'-TGGCAGGTGGGAGCTCATGTAGTAGCCTGTTGGCCACACATGGTCATTTCCTTCCACCAT[ATG>A]TGTCTTTCAGGTCCTGAGGTATTTTGACTATGTGTTCACGGGCGTGTTCACCTTTGAGAT-3'

ClinVar aggregate classification (germline): Uncertain significance (1 of 4 stars; one submission).

Submission:

Dasa
Classification: Uncertain significance. Last evaluated: 2024-10-08. Review status: criteria provided, single submitter. Criteria: DASA Assertion Criteria. Collection method: clinical testing. Allele origin: germline.
Comment: NM_001205293.3(CACNA1E):c.3553-9_3553-8del is a splice-region variant. This variant is absent from population databases. Computational prediction algorithms are consistent with a benign effect. The currently available literature and clinical evidence are not sufficient to establish a definitive association between this variant and the reported condition. Therefore, this variant is classified as a variant of uncertain significance.